The following is an entry in ClinVar:

ClinVar aggregate classification (germline): Uncertain significance. Review status: criteria provided, multiple submitters, no conflicts (2 of 4 stars). 2 submissions from 2 submitters: Uncertain significance (2). Last evaluated 2025-04-01.

Allele frequency attached by ClinVar (database versions not stated): gnomAD 0.00001; gnomAD exomes 0.00001; TOPMed 0.00002.
gnomAD v4.1: 13 of 1,578,168 alleles (0.00082%); highest among the groups gnomAD compares: Non-Finnish European, 0.0011%; no homozygotes.

Submissions (2):

Ambry Genetics
Classification: Uncertain significance. Last evaluated: 2025-04-01. Review status: criteria provided, single submitter. Criteria: Ambry Variant Classification Scheme 2023. Collection method: clinical testing. Allele origin: germline.

Labcorp Genetics (formerly Invitae), Labcorp
Classification: Uncertain significance. Last evaluated: 2022-02-20. Review status: criteria provided, single submitter. Criteria: Invitae Variant Classification Sherloc (09022015). Collection method: clinical testing. Allele origin: germline.
Comment: This variant has not been reported in the literature in individuals affected with CACNA1B-related conditions. In summary, the available evidence is currently insufficient to determine the role of this variant in disease. Therefore, it has been classified as a Variant of Uncertain Significance. Advanced modeling of protein sequence and biophysical properties (such as structural, functional, and spatial information, amino acid conservation, physicochemical variation, residue mobility, and thermodynamic stability) performed at Invitae indicates that this missense variant is not expected to disrupt CACNA1B protein function. The frequency data for this variant in the population databases is considered unreliable, as metrics indicate poor data quality at this position in the gnomAD database. This sequence change replaces cysteine, which is neutral and slightly polar, with tyrosine, which is neutral and polar, at codon 1027 of the CACNA1B protein (p.Cys1027Tyr).

NM_000718.4(CACNA1B):c.3080G>A (p.Cys1027Tyr)

Gene: CACNA1B (calcium voltage-gated channel subunit alpha1 B; plus strand). Cytogenetic location: 9q34.3.
Variant type: single nucleotide variant.
Coding change: c.3080G>A on transcript NM_000718.4 (MANE Select); coding-DNA position 3080, G replaced by A.
Protein change: p.Cys1027Tyr; replaces cysteine 1027 with tyrosine.
Molecular consequence: missense variant.
Genome position (GRCh38, 1-based): chr9:138,024,966, G>A. VCF-style: chr9-138024966-G-A. GRCh37 (hg19) VCF-style: chr9-140919418-G-A.
Other names: c.3080G>A (NM_000718.3); c.3080G>A, p.Cys1027Tyr (NM_001243812.2); short protein forms C1027Y.
Identifiers: ClinVar variation 2085549 (VCV002085549.5), dbSNP rs892687302, ClinGen allele CA201831287.